The following is an entry in ClinVar:

NM_001042432.2(CLN3):c.105del (p.His34_Trp35insTer)

Gene: CLN3 (CLN3 lysosomal/endosomal transmembrane protein, battenin; minus strand). Cytogenetic location: 16p12.1.
Variant type: Deletion.
Coding change: c.105del on transcript NM_001042432.2 (MANE Select); coding-DNA position 105, one base deleted (G; older notation c.105delG).
Protein change: p.His34_Trp35insTer.
Molecular consequence: nonsense. On other transcripts: intron variant (3).
Genome position (GRCh38, 1-based): chr16:28,491,502, C deleted on the plus strand (G on the coding strand, the reverse complement: CLN3 is on the minus strand); the first of 2 consecutive C bases (chr16:28,491,502-28,491,503); deleting either gives the same sequence. VCF-style (leftmost placement, unchanged base first): chr16-28491501-TC-T. GRCh37 (hg19) VCF-style: chr16-28502822-TC-T.
Other names: c.105del, p.His34_Trp35insTer (NM_000086.2, NM_001286104.2); c.-38+212del (NM_001286109.2, NM_001286110.2); c.-96+212del (NM_001286105.2).
Identifiers: ClinVar variation 1387336 (VCV001387336.6), dbSNP rs2141721909, ClinGen allele CA2573152251.

ClinVar aggregate classification (germline): Pathogenic (1 of 4 stars; one submission).

Conditions:
Neuronal ceroid lipofuscinosis. Also called: Neuronal Ceroid Lipofuscinoses. Identifiers: Orphanet 216, Orphanet 79263, MedGen C0027877, MONDO:0016295. Disease mechanism: loss of function.

Submission:

Labcorp Genetics (formerly Invitae), Labcorp
Classification: Pathogenic for Neuronal ceroid lipofuscinosis. Last evaluated: 2021-11-13. Review status: criteria provided, single submitter. Criteria: Invitae Variant Classification Sherloc (09022015). Collection method: clinical testing. Allele origin: germline.
Comment: This variant is not present in population databases (gnomAD no frequency). For these reasons, this variant has been classified as Pathogenic. This premature translational stop signal has been observed in individual(s) with neuronal ceroid lipofuscinosis (PMID: 21990111, 22013180, 23539563, 31568712). This sequence change creates a premature translational stop signal (p.Trp35*) in the CLN3 gene. It is expected to result in an absent or disrupted protein product. Loss-of-function variants in CLN3 are known to be pathogenic (PMID: 9311735, 28542676).

Literature cited by the submitters: PubMed 21990111; PubMed 22013180; PubMed 23539563; PubMed 31568712; PubMed 9311735; PubMed 28542676.